The following is an entry in ClinVar:

ClinVar aggregate classification (germline): Uncertain significance. Review status: criteria provided, multiple submitters, no conflicts (2 of 4 stars). 3 submissions from 3 submitters: Uncertain significance (3). Last evaluated 2026-07-06.

Conditions:
PEX5-related disorder. Also called: PEX5-Related Disorders; PEX5-related condition.
Peroxisome biogenesis disorder 2B (PBD2B). Identifiers: Orphanet 44, MedGen C3550234, MONDO:0008736, OMIM 202370.
Peroxisome biogenesis disorder 2A (Zellweger) (PBD2A). Also called: Cerebrohepatorenal syndrome, variant types. Identifiers: Orphanet 912, MedGen C3550273, MONDO:0008954, OMIM 214110.

Allele frequency attached by ClinVar (database versions not stated): gnomAD 0.00004 and 0.00006; ExAC 0.00005; gnomAD exomes 0.00005 and 0.00007; TOPMed 0.00005; ESP Exome Variant Server 0.00008; 1000 Genomes Project 30x 0.00016; 1000 Genomes Project 0.00020.
gnomAD v4.1: 105 of 1,614,054 alleles (0.0065%); highest among the groups gnomAD compares: Admixed American, 0.028%; no homozygotes.

Submissions (3):

PreventionGenetics, part of Exact Sciences
Classification: Uncertain significance for PEX5-related condition. Last evaluated: 2026-07-06. Review status: criteria provided, single submitter. Criteria: ACMG Guidelines, 2015. Collection method: clinical testing. Allele origin: germline.
Comment: The PEX5 c.1352G>A variant is predicted to result in the amino acid substitution p.Gly451Glu. To our knowledge, this variant has not been reported in the literature. This variant is reported in 0.017% of alleles in individuals of Latino descent in gnomAD. At this time, the clinical significance of this variant is uncertain due to the absence of conclusive functional and genetic evidence.

Labcorp Genetics (formerly Invitae), Labcorp
Classification: Uncertain significance for Peroxisome biogenesis disorder 2B. Last evaluated: 2022-10-13. Review status: criteria provided, single submitter. Criteria: Invitae Variant Classification Sherloc (09022015). Collection method: clinical testing. Allele origin: germline.
Comment: This sequence change replaces glycine, which is neutral and non-polar, with glutamic acid, which is acidic and polar, at codon 451 of the PEX5 protein (p.Gly451Glu). This variant is present in population databases (rs148266027, gnomAD 0.02%). This variant has not been reported in the literature in individuals affected with PEX5-related conditions. ClinVar contains an entry for this variant (Variation ID: 973487). Algorithms developed to predict the effect of missense changes on protein structure and function (SIFT, PolyPhen-2, Align-GVGD) all suggest that this variant is likely to be tolerated. In summary, the available evidence is currently insufficient to determine the role of this variant in disease. Therefore, it has been classified as a Variant of Uncertain Significance.

Elsea Laboratory, Baylor College of Medicine
Classification: Uncertain significance for Peroxisome biogenesis disorder 2A (Zellweger); Peroxisome biogenesis disorder 2B. Last evaluated: 2020-04-01. Review status: criteria provided, single submitter. Criteria: ACMG Guidelines, 2015. Collection method: clinical testing. Allele origin: germline. Affected: no.

NM_001351132.2(PEX5):c.1352G>A (p.Gly451Glu)

Gene: PEX5 (peroxisomal biogenesis factor 5; plus strand). Cytogenetic location: 12p13.31.
Variant type: single nucleotide variant.
Coding change: c.1352G>A on transcript NM_001351132.2 (MANE Select); coding-DNA position 1352, G replaced by A.
Protein change: p.Gly451Glu; replaces glycine 451 with glutamic acid.
Molecular consequence: missense variant.
Genome position (GRCh38, 1-based): chr12:7,208,627, G>A. VCF-style: chr12-7208627-G-A. GRCh37 (hg19) VCF-style: chr12-7361223-G-A.
Other names: c.1352G>A (NM_001131025.1); c.1328G>A, p.Gly443Glu (NM_000319.5); c.1397G>A, p.Gly466Glu (NM_001131023.2); c.1241G>A, p.Gly414Glu (NM_001131024.2, NM_001351124.3, NM_001351126.2 and 7 more transcripts); c.1352G>A, p.Gly451Glu (NM_001131025.2, NM_001131026.2, NM_001300789.3 and 4 more transcripts); c.1286G>A, p.Gly429Glu (NM_001351135.3, NM_001351138.2); c.1343G>A, p.Gly448Glu (NM_001351136.2); c.1217G>A, p.Gly406Glu (NM_001351139.2, NM_001351140.2, NM_001374649.2); short protein forms G448E, G414E, G443E, G406E, G429E, G451E, G466E.
Identifiers: ClinVar variation 973487 (VCV000973487.9), dbSNP rs148266027, ClinGen allele CA6426431.
Genomic context (GRCh38, chr12:7,208,627, plus strand): 5'-GGTACACACCAGCCTATGCCCATCTGGTGACACCTGCTGAAGAAGGGGCTGGTGGGGCAG[G>A]ACTGGGCCCCAGCAAGCGTATCCTGGGATCTCTCTTGTCTGAGTGAGTATGAGGGGTTCC-3'
Protein context (NP_001338061.1, residues 441-461): TPAEEGAGGA[Gly451Glu]LGPSKRILGS